The following is an entry in ClinVar:

NM_000057.4(BLM):c.3116T>A (p.Ile1039Lys)

Gene: BLM (BLM RecQ like helicase; plus strand). Cytogenetic location: 15q26.1.
Variant type: single nucleotide variant.
Coding change: c.3116T>A on transcript NM_000057.4 (MANE Select); coding-DNA position 3116, T replaced by A.
Protein change: p.Ile1039Lys; replaces isoleucine 1039 with lysine.
Molecular consequence: missense variant.
Genome position (GRCh38, 1-based): chr15:90,794,263, T>A. VCF-style: chr15-90794263-T-A. GRCh37 (hg19) VCF-style: chr15-91337493-T-A.
Other names: c.3116T>A, p.Ile1039Lys (NM_001287246.2, NM_001287247.2); c.1991T>A, p.Ile664Lys (NM_001287248.2); short protein forms I664K, I1039K.
Identifiers: ClinVar variation 935655 (VCV000935655.10), dbSNP rs1896976347, ClinGen allele CA393846869.

ClinVar aggregate classification (germline): Uncertain significance (1 of 4 stars; one submission).

Conditions:
Bloom syndrome (BLM). Also called: Bloom-Torre-Machacek syndrome. Identifiers: Orphanet 125, MedGen C0005859, MONDO:0008876, OMIM 210900.

Submission:

Labcorp Genetics (formerly Invitae), Labcorp
Classification: Uncertain significance for Bloom syndrome. Last evaluated: 2020-05-29. Review status: criteria provided, single submitter. Criteria: Invitae Variant Classification Sherloc (09022015). Collection method: clinical testing. Allele origin: germline.
Comment: This sequence change replaces isoleucine with lysine at codon 1039 of the BLM protein (p.Ile1039Lys). The isoleucine residue is moderately conserved and there is a moderate physicochemical difference between isoleucine and lysine. This variant is not present in population databases (ExAC no frequency). This variant has not been reported in the literature in individuals with BLM-related conditions. Algorithms developed to predict the effect of missense changes on protein structure and function (SIFT, PolyPhen-2, Align-GVGD) all suggest that this variant is likely to be tolerated, but these predictions have not been confirmed by published functional studies and their clinical significance is uncertain. In summary, the available evidence is currently insufficient to determine the role of this variant in disease. Therefore, it has been classified as a Variant of Uncertain Significance.